The following is an entry in ClinVar:

ClinVar aggregate classification (germline): Uncertain significance (1 of 4 stars; one submission).

Conditions:
Inborn genetic diseases. Identifiers: MedGen C0950123, MeSH D030342.

Submission:

Ambry Genetics
Classification: Uncertain significance for Inborn genetic diseases. Last evaluated: 2024-02-20. Review status: criteria provided, single submitter. Criteria: Ambry Variant Classification Scheme 2023. Collection method: clinical testing. Allele origin: germline.
Comment: The p.M1584T variant (also known as c.4751T>C), located in coding exon 27 of the ATR gene, results from a T to C substitution at nucleotide position 4751. The methionine at codon 1584 is replaced by threonine, an amino acid with similar properties. This amino acid position is conserved. In addition, the in silico prediction for this alteration is inconclusive. Based on the available evidence, the clinical significance of this alteration remains unclear.

NM_001184.4(ATR):c.4751T>C (p.Met1584Thr)

Gene: ATR (ATR checkpoint kinase; minus strand). Cytogenetic location: 3q23.
Variant type: single nucleotide variant.
Coding change: c.4751T>C on transcript NM_001184.4 (MANE Select); coding-DNA position 4751, T replaced by C.
Protein change: p.Met1584Thr; replaces methionine 1584 with threonine.
Molecular consequence: missense variant.
Genome position (GRCh38, 1-based): chr3:142,512,361, A>G on the plus strand (T>C on the coding strand, the complement: ATR is on the minus strand). VCF-style: chr3-142512361-A-G. GRCh37 (hg19) VCF-style: chr3-142231203-A-G.
Other names: c.4559T>C, p.Met1520Thr (NM_001354579.2); short protein forms M1520T, M1584T.
Identifiers: ClinVar variation 3221182 (VCV003221182.1), dbSNP rs1170027837, ClinGen allele CA354795442.